The following is an entry in ClinVar:

NM_007327.4(GRIN1):c.1113+5G>A

Gene: GRIN1 (glutamate ionotropic receptor NMDA type subunit 1; plus strand). Cytogenetic location: 9q34.3.
Variant type: single nucleotide variant.
Coding change: c.1113+5G>A on transcript NM_007327.4 (MANE Select); 5 bases into the intron after coding-DNA position 1113, G replaced by A.
Molecular consequence: intron variant.
Genome position (GRCh38, 1-based): chr9:137,158,528, G>A. VCF-style: chr9-137158528-G-A. GRCh37 (hg19) VCF-style: chr9-140052980-G-A.
Other names: c.1176+5G>A (NM_001185090.2, NM_001185091.2); c.1113+5G>A (NM_021569.4, NM_000832.7).
Identifiers: ClinVar variation 1375734 (VCV001375734.6), dbSNP rs1833359535, ClinGen allele CA1130083354.

ClinVar aggregate classification (germline): Uncertain significance (1 of 4 stars; one submission).

Conditions:
Neurodevelopmental disorder with or without hyperkinetic movements and seizures, autosomal dominant. Also called: Intellectual disability, autosomal dominant 8. Identifiers: MedGen C3280282, MONDO:0013655, OMIM 614254.

Allele frequency attached by ClinVar (database versions not stated): TOPMed below 0.00001; gnomAD 0.00001.
gnomAD v4.1: 1 of 1,612,472 alleles (0.000062%); highest among the groups gnomAD compares: Admixed American, 0.0017%; no homozygotes.

Submission:

Labcorp Genetics (formerly Invitae), Labcorp
Classification: Uncertain significance for Neurodevelopmental disorder with or without hyperkinetic movements and seizures, autosomal dominant. Last evaluated: 2021-08-17. Review status: criteria provided, single submitter. Criteria: Invitae Variant Classification Sherloc (09022015). Collection method: clinical testing. Allele origin: germline.
Comment: This sequence change falls in intron 7 of the GRIN1 gene. It does not directly change the encoded amino acid sequence of the GRIN1 protein. It affects a nucleotide within the consensus splice site of the intron. This variant is not present in population databases (ExAC no frequency). This variant has not been reported in the literature in individuals affected with GRIN1-related conditions. Variants that disrupt the consensus splice site are a relatively common cause of aberrant splicing (PMID: 17576681, 9536098). Algorithms developed to predict the effect of sequence changes on RNA splicing suggest that this variant may disrupt the consensus splice site. In summary, the available evidence is currently insufficient to determine the role of this variant in disease. Therefore, it has been classified as a Variant of Uncertain Significance.

Literature cited by the submitters: PubMed 17576681; PubMed 9536098.